The following is an entry in ClinVar:

ClinVar aggregate classification (germline): Pathogenic/Likely pathogenic. Review status: criteria provided, multiple submitters, no conflicts (2 of 4 stars). 3 submissions from 3 submitters: Pathogenic (1); Likely pathogenic (1). 1 of the submissions does not count toward it. Last evaluated 2026-03-31.

Conditions:
Costello syndrome (CSTLO). Also called: FACIOCUTANEOSKELETAL SYNDROME; HRAS-Related Costello Syndrome; FCS SYNDROME. Identifiers: Orphanet 3071, MedGen C0587248, MONDO:0009026, OMIM 218040.
Vascular Tumors Including Pyogenic Granuloma.

Submissions (3):

GeneDx
Classification: Pathogenic. Last evaluated: 2026-03-31. Review status: criteria provided, single submitter. Criteria: GeneDx Variant Classification Process June 2021. Collection method: clinical testing. Allele origin: germline.
Comment: Identified in an individual in published literature with a sigmoid-shaped ventricular septum morphology and a diagnosis of Costello syndrome (PMID: 35794250); Not observed at significant frequency in large population cohorts (gnomAD); In silico analysis supports that this missense variant has a deleterious effect on protein structure/function; Missense variants in this gene are a common cause of disease and they are underrepresented in the general population; This variant is associated with the following publications: (PMID: 24224811, 29493581, 16835863, 16329078, 16372351, 21438134, 34958143, 34906519, 35794250)

Labcorp Genetics (formerly Invitae), Labcorp
Classification: Likely pathogenic for Costello syndrome. Last evaluated: 2022-05-18. Review status: criteria provided, single submitter. Criteria: Invitae Variant Classification Sherloc (09022015). Collection method: clinical testing. Allele origin: germline.
Comment: This sequence change replaces glycine, which is neutral and non-polar, with serine, which is neutral and polar, at codon 13 of the HRAS protein (p.Gly13Ser). In summary, the currently available evidence indicates that the variant is pathogenic, but additional data are needed to prove that conclusively. Therefore, this variant has been classified as Likely Pathogenic. This variant disrupts the p.Gly13 amino acid residue in HRAS. Other variant(s) that disrupt this residue have been determined to be pathogenic (PMID: 16329078, 16372351, 18042262, 21438134). This suggests that this residue is clinically significant, and that variants that disrupt this residue are likely to be disease-causing. Experimental studies have shown that this missense change affects HRAS function (PMID: 24224811). Advanced modeling of protein sequence and biophysical properties (such as structural, functional, and spatial information, amino acid conservation, physicochemical variation, residue mobility, and thermodynamic stability) performed at Invitae indicates that this missense variant is expected to disrupt HRAS protein function. ClinVar contains an entry for this variant (Variation ID: 376323). This variant has not been reported in the literature in individuals affected with HRAS-related conditions. This variant is not present in population databases (gnomAD no frequency).

Yale Center for Mendelian Genomics, Yale University
Classification: Likely pathogenic for Vascular Tumors Including Pyogenic Granuloma. Last evaluated: 2015-02-19. Review status: no assertion criteria provided. Collection method: literature only. Allele origin: somatic. Affected: yes. Observed: 2 heterozygotes. Not counted in ClinVar's aggregate classification.

Literature cited by the submitters: PubMed 16329078 (cited by Labcorp Genetics (formerly Invitae), Labcorp); PubMed 16372351 (cited by Labcorp Genetics (formerly Invitae), Labcorp); PubMed 18042262 (cited by Labcorp Genetics (formerly Invitae), Labcorp); PubMed 21438134 (cited by Labcorp Genetics (formerly Invitae), Labcorp); PubMed 24224811 (cited by Labcorp Genetics (formerly Invitae), Labcorp); PubMed 25695684 (cited by Yale Center for Mendelian Genomics, Yale University).

NM_005343.4(HRAS):c.37G>A (p.Gly13Ser)

Genes: HRAS (HRas proto-oncogene, GTPase; minus strand), LRRC56 (leucine rich repeat containing 56; plus strand). Cytogenetic location: 11p15.5.
Variant type: single nucleotide variant.
Coding change: c.37G>A on transcript NM_005343.4 (MANE Select); coding-DNA position 37, G replaced by A.
Protein change: p.Gly13Ser; replaces glycine 13 with serine.
Molecular consequence: missense variant. On other transcripts: 5 prime UTR variant (1).
Genome position (GRCh38, 1-based): chr11:534,286, C>T on the plus strand (G>A on the coding strand, the complement: HRAS is on the minus strand). VCF-style: chr11-534286-C-T. GRCh37 (hg19) VCF-style: chr11-534286-C-T.
Other names: c.37G>A, p.Gly13Ser (NM_001130442.3, NM_176795.5); c.-283G>A (NM_001318054.2); c.37G>A (NM_005343.2); short protein forms G13S.
Identifiers: ClinVar variation 376323 (VCV000376323.7), dbSNP rs104894228, ClinGen allele CA16602769.
Genomic context (GRCh38, chr11:534,286, plus strand): 5'-CGTATTCGTCCACAAAATGGTTCTGGATCAGCTGGATGGTCAGCGCACTCTTGCCCACAC[C>T]GCCGGCGCCCACCACCACCAGCTTATATTCCGTCATCGCTCCTCAGGGGCCTGCGGCCCG-3'
Protein context (NP_005334.1, residues 3-23): EYKLVVVGAG[Gly13Ser]VGKSALTIQL